The following is an entry in ClinVar:

ClinVar aggregate classification (germline): Uncertain significance. Review status: criteria provided, multiple submitters, no conflicts (2 of 4 stars). 3 submissions from 3 submitters: Uncertain significance (3). Last evaluated 2023-06-13.

Conditions:
Inborn genetic diseases. Identifiers: MedGen C0950123, MeSH D030342.
Sucrase-isomaltase deficiency (CSID). Also called: Congenital sucrose isomaltose malabsorption; Sucrose isomaltose enzyme deficiency; SI DEFICIENCY; Deficiency of isomaltase. Identifiers: Orphanet 35122, MedGen C1283620, MONDO:0009114, OMIM 222900.

Allele frequency attached by ClinVar (database versions not stated): gnomAD 0.00001; TOPMed 0.00002; ESP Exome Variant Server 0.00008.
gnomAD v4.1: 41 of 1,612,592 alleles (0.0025%); highest among the groups gnomAD compares: Non-Finnish European, 0.0034%; no homozygotes.

Submissions (3):

Ambry Genetics
Classification: Uncertain significance for Inborn genetic diseases. Last evaluated: 2023-06-13. Review status: criteria provided, single submitter. Criteria: Ambry Variant Classification Scheme 2023. Collection method: clinical testing. Allele origin: germline.

Labcorp Genetics (formerly Invitae), Labcorp
Classification: Uncertain significance. Last evaluated: 2022-11-01. Review status: criteria provided, single submitter. Criteria: Invitae Variant Classification Sherloc (09022015). Collection method: clinical testing. Allele origin: germline.
Comment: In summary, the available evidence is currently insufficient to determine the role of this variant in disease. Therefore, it has been classified as a Variant of Uncertain Significance. This sequence change replaces valine, which is neutral and non-polar, with phenylalanine, which is neutral and non-polar, at codon 194 of the SI protein (p.Val194Phe). This variant is present in population databases (rs371768147, gnomAD 0.006%). This variant has not been reported in the literature in individuals affected with SI-related conditions. ClinVar contains an entry for this variant (Variation ID: 1384314). Advanced modeling of protein sequence and biophysical properties (such as structural, functional, and spatial information, amino acid conservation, physicochemical variation, residue mobility, and thermodynamic stability) has been performed at Invitae for this missense variant, however the output from this modeling did not meet the statistical confidence thresholds required to predict the impact of this variant on SI protein function.

Fulgent Genetics
Classification: Uncertain significance for Sucrase-isomaltase deficiency. Last evaluated: 2021-12-23. Review status: criteria provided, single submitter. Criteria: ACMG Guidelines, 2015. Collection method: clinical testing. Allele origin: unknown.

NM_001041.4(SI):c.580G>T (p.Val194Phe)

Gene: SI (sucrase-isomaltase; minus strand). Cytogenetic location: 3q26.1.
Variant type: single nucleotide variant.
Coding change: c.580G>T on transcript NM_001041.4 (MANE Select); coding-DNA position 580, G replaced by T.
Protein change: p.Val194Phe; replaces valine 194 with phenylalanine.
Molecular consequence: missense variant.
Genome position (GRCh38, 1-based): chr3:165,067,395, C>A on the plus strand (G>T on the coding strand, the complement: SI is on the minus strand). VCF-style: chr3-165067395-C-A. GRCh37 (hg19) VCF-style: chr3-164785183-C-A.
Other names: c.580G>T (NM_001041.3); short protein forms V194F.
Identifiers: ClinVar variation 1384314 (VCV001384314.9), dbSNP rs371768147, ClinGen allele CA2691431.